The following is an entry in ClinVar:

NM_005035.4(POLRMT):c.2198C>G (p.Ala733Gly)

Gene: POLRMT (RNA polymerase mitochondrial; minus strand). Cytogenetic location: 19p13.3.
Variant type: single nucleotide variant.
Coding change: c.2198C>G on transcript NM_005035.4 (MANE Select); coding-DNA position 2198, C replaced by G.
Protein change: p.Ala733Gly; replaces alanine 733 with glycine.
Molecular consequence: missense variant. On other transcripts: non-coding transcript variant (1).
Genome position (GRCh38, 1-based): chr19:621,500, G>C on the plus strand (C>G on the coding strand, the complement: POLRMT is on the minus strand). VCF-style: chr19-621500-G-C. GRCh37 (hg19) VCF-style: chr19-621500-G-C.
Other names: c.2198C>G, p.Ala733Gly (NM_001407805.1, NM_001407808.1, NM_001407812.1 and 4 more transcripts); c.2189C>G, p.Ala730Gly (NM_001407806.1, NM_001407809.1); c.2186C>G, p.Ala729Gly (NM_001407807.1, NM_001407810.1); c.2156C>G, p.Ala719Gly (NM_001407811.1, NM_001407813.1); c.1973C>G, p.Ala658Gly (NM_001407830.1, NM_001407832.1); c.1874C>G, p.Ala625Gly (NM_001407831.1, NM_001407833.1, NM_001407835.1 and 1 more transcripts); c.1865C>G, p.Ala622Gly (NM_001407834.1); short protein forms A622G, A625G, A658G, A719G, A729G, A730G, A733G.
Identifiers: ClinVar variation 4535169 (VCV004535169.6).

ClinVar aggregate classification (germline): Uncertain significance (1 of 4 stars; one submission).

gnomAD v4.1: 1 of 1,375,270 alleles (0.000073%); highest among the groups gnomAD compares: Non-Finnish European, 0.000093%; no homozygotes.

Submission:

CeGaT Center for Human Genetics Tuebingen
Classification: Uncertain significance. Last evaluated: 2025-11-01. Review status: criteria provided, single submitter. Criteria: CeGaT Center For Human Genetics Tuebingen Variant Classification Criteria Version 2. Collection method: clinical testing. Allele origin: germline. Affected: yes. Observed: 1 variant allele.
Comment: POLRMT: PM2, BP4